The following is an entry in ClinVar:

NM_003072.5(SMARCA4):c.4404C>T (p.Ala1468=)

Gene: SMARCA4 (SWI/SNF related BAF chromatin remodeling complex subunit ATPase 4; plus strand). Cytogenetic location: 19p13.2.
Variant type: single nucleotide variant.
Coding change: c.4404C>T on transcript NM_003072.5 (MANE Select); coding-DNA position 4404, C replaced by T.
Protein change: p.Ala1468=; no amino-acid change (alanine 1468 retained).
Molecular consequence: synonymous variant. On other transcripts: non-coding transcript variant (1).
Genome position (GRCh38, 1-based): chr19:11,041,540, C>T. VCF-style: chr19-11041540-C-T. GRCh37 (hg19) VCF-style: chr19-11152216-C-T.
Other names: c.4404C>T, p.Ala1468= (NM_001128844.3); c.4314C>T, p.Ala1438= (NM_001128845.2, NM_001128846.2); c.4305C>T, p.Ala1435= (NM_001128847.4, NM_001128848.2, NM_001374457.1); c.4500C>T, p.Ala1500= (NM_001128849.3, NM_001387283.1).
Identifiers: ClinVar variation 238474 (VCV000238474.39), dbSNP rs552535004, ClinGen allele CA9204711.

ClinVar aggregate classification (germline): Benign/Likely benign. Review status: criteria provided, multiple submitters, no conflicts (2 of 4 stars). 6 submissions from 6 submitters: Benign (1); Likely benign (5). Last evaluated 2026-07-22.

Conditions:
Hereditary cancer-predisposing syndrome. Also called: Hereditary Cancer Syndrome; Tumor predisposition; Hereditary neoplastic syndrome; Neoplastic Syndromes, Hereditary. Identifiers: Orphanet 140162, MedGen C0027672, MeSH D009386, MONDO:0015356.
SMARCA4-related disorder. Also called: SMARCA4-related condition.
Rhabdoid tumor predisposition syndrome 2 (RTPS2). Identifiers: Orphanet 231108, Orphanet 69077, MedGen C2750074, MONDO:0013224, OMIM 613325.

Allele frequency attached by ClinVar (database versions not stated): 1000 Genomes Project 30x 0.00031; TOPMed 0.00002; 1000 Genomes Project 0.00020; ExAC 0.00002.
gnomAD v4.1: 30 of 1,613,552 alleles (0.0019%); highest among the groups gnomAD compares: South Asian, 0.0044%; no homozygotes.

Submissions (6):

Myriad Genetics, Inc.
Classification: Benign for Rhabdoid tumor predisposition syndrome 2. Last evaluated: 2026-07-22. Review status: criteria provided, single submitter. Criteria: Myriad Autosomal Dominant, Autosomal Recessive and X-Linked Classification Criteria (2023). Collection method: clinical testing. Allele origin: unknown.
Comment: This variant is considered benign. This variant is a silent/synonymous amino acid change and it is not expected to impact splicing.

Labcorp Genetics (formerly Invitae), Labcorp
Classification: Likely benign for Rhabdoid tumor predisposition syndrome 2. Last evaluated: 2025-12-15. Review status: criteria provided, single submitter. Criteria: Invitae Variant Classification Sherloc (09022015). Collection method: clinical testing. Allele origin: germline.

PreventionGenetics, part of Exact Sciences
Classification: Likely benign for SMARCA4-related condition. Last evaluated: 2025-07-07. Review status: criteria provided, single submitter. Criteria: ACMG Guidelines, 2015. Collection method: clinical testing. Allele origin: germline.
Comment: This variant is classified as likely benign based on ACMG/AMP sequence variant interpretation guidelines (Richards et al. 2015 PMID: 25741868, with internal and published modifications).

CeGaT Center for Human Genetics Tuebingen
Classification: Likely benign. Last evaluated: 2024-03-01. Review status: criteria provided, single submitter. Criteria: CeGaT Center For Human Genetics Tuebingen Variant Classification Criteria Version 2. Collection method: clinical testing. Allele origin: germline. Affected: yes. Observed: 1 variant allele.
Comment: SMARCA4: BP4, BP7

Sema4
Classification: Likely benign for Hereditary cancer-predisposing syndrome. Last evaluated: 2021-09-20. Review status: criteria provided, single submitter. Criteria: Sema4 Curation Guidelines. Collection method: curation. Allele origin: germline.

Ambry Genetics
Classification: Likely benign for Hereditary cancer-predisposing syndrome. Last evaluated: 2015-10-27. Review status: criteria provided, single submitter. Criteria: Ambry Variant Classification Scheme 2023. Collection method: clinical testing. Allele origin: germline.